The following is an entry in ClinVar:

ClinVar aggregate classification (germline): Uncertain significance (1 of 4 stars; one submission).

Allele frequency attached by ClinVar (database versions not stated): TOPMed below 0.00001; ExAC 0.00001; gnomAD 0.00001; gnomAD exomes 0.00002.
gnomAD v4.1: 22 of 1,612,790 alleles (0.0014%); highest among the groups gnomAD compares: Non-Finnish European, 0.0017%; no homozygotes.

Submission:

Labcorp Genetics (formerly Invitae), Labcorp
Classification: Uncertain significance. Last evaluated: 2023-04-09. Review status: criteria provided, single submitter. Criteria: Invitae Variant Classification Sherloc (09022015). Collection method: clinical testing. Allele origin: germline.
Comment: In summary, the available evidence is currently insufficient to determine the role of this variant in disease. Therefore, it has been classified as a Variant of Uncertain Significance. Algorithms developed to predict the effect of missense changes on protein structure and function output the following: SIFT: "Not Available"; PolyPhen-2: "Benign"; Align-GVGD: "Not Available". The arginine amino acid residue is found in multiple mammalian species, which suggests that this missense change does not adversely affect protein function. This variant has not been reported in the literature in individuals affected with MYLK3-related conditions. The frequency data for this variant in the population databases is considered unreliable, as metrics indicate poor data quality at this position in the gnomAD database. This sequence change replaces glycine, which is neutral and non-polar, with arginine, which is basic and polar, at codon 411 of the MYLK3 protein (p.Gly411Arg).

NM_182493.3(MYLK3):c.1231G>A (p.Gly411Arg)

Gene: MYLK3 (myosin light chain kinase 3; minus strand). Cytogenetic location: 16q11.2.
Variant type: single nucleotide variant.
Coding change: c.1231G>A on transcript NM_182493.3 (MANE Select); coding-DNA position 1231, G replaced by A.
Protein change: p.Gly411Arg; replaces glycine 411 with arginine.
Molecular consequence: missense variant.
Genome position (GRCh38, 1-based): chr16:46,732,439, C>T on the plus strand (G>A on the coding strand, the complement: MYLK3 is on the minus strand). VCF-style: chr16-46732439-C-T. GRCh37 (hg19) VCF-style: chr16-46766351-C-T.
Other names: c.208G>A, p.Gly70Arg (NM_001308301.1); short protein forms G70R, G411R.
Identifiers: ClinVar variation 2986346 (VCV002986346.3), dbSNP rs780565861, ClinGen allele CA8038041.